The following is an entry in ClinVar:

NM_007247.6(SYNRG):c.3280T>G (p.Phe1094Val)

Gene: SYNRG (synergin gamma; minus strand). Cytogenetic location: 17q12.
Variant type: single nucleotide variant.
Coding change: c.3280T>G on transcript NM_007247.6 (MANE Select); coding-DNA position 3280, T replaced by G.
Protein change: p.Phe1094Val; replaces phenylalanine 1094 with valine.
Molecular consequence: missense variant.
Genome position (GRCh38, 1-based): chr17:37,540,466, A>C on the plus strand (T>G on the coding strand, the complement: SYNRG is on the minus strand). VCF-style: chr17-37540466-A-C. GRCh37 (hg19) VCF-style: chr17-35900568-A-C.
Other names: c.3046T>G, p.Phe1016Val (NM_001163544.3, NM_080550.5, NM_198882.3); c.3043T>G, p.Phe1015Val (NM_001163545.3); c.2911T>G, p.Phe971Val (NM_001163546.3); c.2662T>G, p.Phe888Val (NM_001163547.3); c.3583T>G, p.Phe1195Val (NM_001405103.1); short protein forms F1015V, F1016V, F1094V, F1195V, F888V, F971V.
Identifiers: ClinVar variation 2635597 (VCV002635597.1), dbSNP rs139082263, ClinGen allele CA8517276.

ClinVar aggregate classification (germline): Uncertain significance (1 of 4 stars; one submission).

Conditions:
SYNRG-related disorder. Also called: SYNRG-related condition.

Allele frequency attached by ClinVar (database versions not stated): gnomAD exomes below 0.00001; ExAC 0.00001; ESP Exome Variant Server 0.00008.
gnomAD v4.1: 1 of 1,613,870 alleles (0.000062%); highest among the groups gnomAD compares: Non-Finnish European, 0.000085%; no homozygotes.

Submission:

PreventionGenetics, part of Exact Sciences
Classification: Uncertain significance for SYNRG-related condition. Last evaluated: 2022-11-10. Review status: criteria provided, single submitter. Criteria: ACMG Guidelines, 2015. Collection method: clinical testing. Allele origin: germline.
Comment: The SYNRG c.3280T>G variant is predicted to result in the amino acid substitution p.Phe1094Val. To our knowledge, this variant has not been reported in the literature. This variant is reported in 0.00088% of alleles in individuals of European (Non-Finnish) descent in gnomAD. At this time, the clinical significance of this variant is uncertain due to the absence of conclusive functional and genetic evidence.